The following is an entry in ClinVar:

ClinVar aggregate classification (germline): Benign (0 of 4 stars; one submission).

Conditions:
DCHS2-related disorder. Also called: DCHS2-related condition.

Allele frequency attached by ClinVar (database versions not stated): ExAC 0.01649; gnomAD 0.05032; TOPMed 0.05691; 1000 Genomes Project 0.05891; ESP Exome Variant Server 0.05974; 1000 Genomes Project 30x 0.06152.
gnomAD v4.1: 14,915 of 1,614,096 alleles (0.92%); highest among the groups gnomAD compares: African/African-American, 17%; 1,172 homozygotes.

Submissions (7):

PreventionGenetics, part of Exact Sciences
Classification: Benign for DCHS2-related condition. Last evaluated: 2019-02-18. Review status: no assertion criteria provided. Collection method: clinical testing. Allele origin: germline.
Comment: This variant is classified as benign based on ACMG/AMP sequence variant interpretation guidelines (Richards et al. 2015 PMID: 25741868, with internal and published modifications).

Dr. Peter K. Rogan Lab, Western University
No classification provided (evidence only). Condition: Colon adenocarcinoma. Review status: no classification provided. Collection method: in vitro. Allele origin: not applicable. Functional consequence: retained intron. Not counted in ClinVar's aggregate classification.

Dr. Peter K. Rogan Lab, Western University
No classification provided (evidence only). Condition: Thyroid cancer, nonmedullary, 1. Review status: no classification provided. Collection method: in vitro. Allele origin: not applicable. Functional consequence: retained intron. Not counted in ClinVar's aggregate classification.

Dr. Peter K. Rogan Lab, Western University
No classification provided (evidence only). Condition: Thyroid cancer, nonmedullary, 1. Review status: no classification provided. Collection method: in vitro. Allele origin: not applicable. Functional consequence: retained intron. Not counted in ClinVar's aggregate classification.

Dr. Peter K. Rogan Lab, Western University
No classification provided (evidence only). Condition: Ovarian serous cystadenocarcinoma. Review status: no classification provided. Collection method: in vitro. Allele origin: not applicable. Functional consequence: retained intron. Not counted in ClinVar's aggregate classification.

Dr. Peter K. Rogan Lab, Western University
No classification provided (evidence only). Condition: Gastric cancer. Review status: no classification provided. Collection method: in vitro. Allele origin: not applicable. Functional consequence: retained intron. Not counted in ClinVar's aggregate classification.

Dr. Peter K. Rogan Lab, Western University
No classification provided (evidence only). Condition: Uterine carcinosarcoma. Review status: no classification provided. Collection method: in vitro. Allele origin: not applicable. Functional consequence: retained intron. Not counted in ClinVar's aggregate classification.

NM_001358235.2(DCHS2):c.2848G>T (p.Val950Leu)

Gene: DCHS2 (dachsous cadherin-related 2; minus strand). Cytogenetic location: 4q31.3.
Variant type: single nucleotide variant.
Coding change: c.2848G>T on transcript NM_001358235.2 (MANE Select); coding-DNA position 2848, G replaced by T.
Protein change: p.Val950Leu; replaces valine 950 with leucine.
Molecular consequence: missense variant.
Genome position (GRCh38, 1-based): chr4:154,333,360, C>A on the plus strand (G>T on the coding strand, the complement: DCHS2 is on the minus strand). VCF-style: chr4-154333360-C-A. GRCh37 (hg19) VCF-style: chr4-155254512-C-A.
Other names: NC_000004.11:g.155254512C>A; c.2848G>T, p.Val950Leu (NM_001142552.2, NM_001412223.1); short protein forms V950L.
Identifiers: ClinVar variation 3055761 (VCV003055761.3), dbSNP rs76121430, ClinGen allele CA3113334.